The following is an entry in ClinVar:

ClinVar aggregate classification (germline): Uncertain significance. Review status: criteria provided, multiple submitters, no conflicts (2 of 4 stars). 3 submissions from 3 submitters: Uncertain significance (3). Last evaluated 2025-09-10.

Conditions:
Hereditary cancer-predisposing syndrome. Also called: Hereditary neoplastic syndrome; Neoplastic Syndromes, Hereditary; Tumor predisposition; Hereditary Cancer Syndrome. Identifiers: Orphanet 140162, MedGen C0027672, MeSH D009386, MONDO:0015356.
Familial cancer of breast. Also called: Hereditary breast cancer; hereditary breast carcinoma; BREAST CANCER, FAMILIAL. Identifiers: Orphanet 227535, MedGen C0346153, MONDO:0016419, OMIM 114480. Disease mechanism: loss of function.
Fanconi anemia complementation group J. Also called: BRIP1-Related Fanconi Anemia. Identifiers: Orphanet 84, MedGen C1836860, MONDO:0012187, OMIM 609054.

Submissions (3):

Ambry Genetics
Classification: Uncertain significance for Hereditary cancer-predisposing syndrome. Last evaluated: 2025-09-10. Review status: criteria provided, single submitter. Criteria: Ambry Variant Classification Scheme 2023. Collection method: clinical testing. Allele origin: germline.
Comment: The p.V789A variant (also known as c.2366T>C), located in coding exon 15 of the BRIP1 gene, results from a T to C substitution at nucleotide position 2366. The valine at codon 789 is replaced by alanine, an amino acid with similar properties. This amino acid position is conserved. In addition, the in silico prediction for this alteration is inconclusive. Based on the available evidence, the clinical significance of this variant remains unclear.

Labcorp Genetics (formerly Invitae), Labcorp
Classification: Uncertain significance for Familial cancer of breast; Fanconi anemia complementation group J. Last evaluated: 2024-10-07. Review status: criteria provided, single submitter. Criteria: Invitae Variant Classification Sherloc (09022015). Collection method: clinical testing. Allele origin: germline.
Comment: This sequence change replaces valine, which is neutral and non-polar, with alanine, which is neutral and non-polar, at codon 789 of the BRIP1 protein (p.Val789Ala). This variant is not present in population databases (gnomAD no frequency). This variant has not been reported in the literature in individuals affected with BRIP1-related conditions. ClinVar contains an entry for this variant (Variation ID: 407791). Invitae Evidence Modeling of protein sequence and biophysical properties (such as structural, functional, and spatial information, amino acid conservation, physicochemical variation, residue mobility, and thermodynamic stability) has been performed for this missense variant. However, the output from this modeling did not meet the statistical confidence thresholds required to predict the impact of this variant on BRIP1 protein function. In summary, the available evidence is currently insufficient to determine the role of this variant in disease. Therefore, it has been classified as a Variant of Uncertain Significance.

Color Diagnostics, LLC DBA Color Health
Classification: Uncertain significance for Hereditary cancer-predisposing syndrome. Last evaluated: 2023-12-05. Review status: criteria provided, single submitter. Criteria: ACMG Guidelines, 2015. Collection method: clinical testing. Allele origin: germline.
Comment: This missense variant replaces valine with alanine at codon 789 of the BRIP1 protein. Computational prediction suggests that this variant may not impact protein structure and function (internally defined REVEL score threshold <= 0.5, PMID: 27666373). To our knowledge, functional studies have not been reported for this variant. This variant has not been reported in individuals affected with BRIP1-related disorders in the literature. This variant has not been identified in the general population by the Genome Aggregation Database (gnomAD). The available evidence is insufficient to determine the role of this variant in disease conclusively. Therefore, this variant is classified as a Variant of Uncertain Significance.

NM_032043.3(BRIP1):c.2366T>C (p.Val789Ala)

Gene: BRIP1 (BRCA1 interacting DNA helicase 1; minus strand). Cytogenetic location: 17q23.2.
Variant type: single nucleotide variant.
Coding change: c.2366T>C on transcript NM_032043.3 (MANE Select); coding-DNA position 2366, T replaced by C.
Protein change: p.Val789Ala; replaces valine 789 with alanine.
Molecular consequence: missense variant.
Genome position (GRCh38, 1-based): chr17:61,743,026, A>G on the plus strand (T>C on the coding strand, the complement: BRIP1 is on the minus strand). VCF-style: chr17-61743026-A-G. GRCh37 (hg19) VCF-style: chr17-59820387-A-G.
Other names: short protein forms V789A.
Identifiers: ClinVar variation 407791 (VCV000407791.18), dbSNP rs1060501728, ClinGen allele CA16615501.